The following is an entry in ClinVar:

ClinVar aggregate classification (germline): Likely benign (1 of 4 stars; one submission).

Submission:

CeGaT Center for Human Genetics Tuebingen
Classification: Likely benign. Last evaluated: 2025-09-01. Review status: criteria provided, single submitter. Criteria: CeGaT Center For Human Genetics Tuebingen Variant Classification Criteria Version 2. Collection method: clinical testing. Allele origin: germline. Affected: yes. Observed: 2 variant alleles.
Comment: MKRN3: BP4, BP7

NC_000015.10:g.23627825C>T

Gene: MKRN3 (makorin ring finger protein 3; plus strand). Cytogenetic location: 15q11.2.
Variant type: single nucleotide variant.
Genome position: GRCh38 VCF-style: chr15-23627825-C-T. GRCh37 (hg19) VCF-style: chr15-23872972-C-T.
Identifiers: ClinVar variation 4084698 (VCV004084698.8).